The following is an entry in ClinVar:

ClinVar aggregate classification (germline): Uncertain significance (1 of 4 stars; one submission).

gnomAD v4.1: 6 of 1,614,224 alleles (0.00037%); highest among the groups gnomAD compares: South Asian, 0.0022%; no homozygotes.

Submission:

Labcorp Genetics (formerly Invitae), Labcorp
Classification: Uncertain significance. Last evaluated: 2024-09-16. Review status: criteria provided, single submitter. Criteria: Invitae Variant Classification Sherloc (09022015). Collection method: clinical testing. Allele origin: germline.
Comment: This sequence change replaces methionine, which is neutral and non-polar, with valine, which is neutral and non-polar, at codon 96 of the UNC119 protein (p.Met96Val). This variant is not present in population databases (gnomAD no frequency). This variant has not been reported in the literature in individuals affected with UNC119-related conditions. An algorithm developed to predict the effect of missense changes on protein structure and function (PolyPhen-2) suggests that this variant is likely to be tolerated. In summary, the available evidence is currently insufficient to determine the role of this variant in disease. Therefore, it has been classified as a Variant of Uncertain Significance.

NM_005148.4(UNC119):c.286A>G (p.Met96Val)

Gene: UNC119 (unc-119 lipid binding chaperone; minus strand). Cytogenetic location: 17q11.2.
Variant type: single nucleotide variant.
Coding change: c.286A>G on transcript NM_005148.4 (MANE Select); coding-DNA position 286, A replaced by G.
Protein change: p.Met96Val; replaces methionine 96 with valine.
Molecular consequence: missense variant. On other transcripts: initiator codon variant (1).
Genome position (GRCh38, 1-based): chr17:28,548,640, T>C on the plus strand (A>G on the coding strand, the complement: UNC119 is on the minus strand). VCF-style: chr17-28548640-T-C. GRCh37 (hg19) VCF-style: chr17-26875658-T-C.
Other names: c.1A>G, p.Met1Val (NM_001330166.2); c.286A>G, p.Met96Val (NM_054035.2); short protein forms M1V, M96V.
Identifiers: ClinVar variation 3687631 (VCV003687631.2).